The following is an entry in ClinVar:

NM_004714.3(DYRK1B):c.1518+9G>A

Gene: DYRK1B (dual specificity tyrosine phosphorylation regulated kinase 1B; minus strand). Cytogenetic location: 19q13.2.
Variant type: single nucleotide variant.
Coding change: c.1518+9G>A on transcript NM_004714.3 (MANE Select); 9 bases into the intron after coding-DNA position 1518, G replaced by A.
Molecular consequence: intron variant.
Genome position (GRCh38, 1-based): chr19:39,826,171, C>T on the plus strand (G>A on the coding strand, the complement: DYRK1B is on the minus strand). VCF-style: chr19-39826171-C-T. GRCh37 (hg19) VCF-style: chr19-40316811-C-T.
Other names: c.1398+9G>A (NM_006483.3); c.1434+9G>A (NM_006484.3).
Identifiers: ClinVar variation 3347378 (VCV003347378.1).
Genomic context (GRCh38, chr19:39,826,171, plus strand): 5'-TGATGGAGACCCTGGTCTCTAAGCCCCAGGCACCACCACCCACCTCCAAAGCCCCCAAAG[C>T]CCCATTACCTGGGGGCTGTTCATCTCACAGTCTGTGATAGGGGGCCCAGGGCCCCCACAA-3'

ClinVar aggregate classification (germline): Likely benign (0 of 4 stars; one submission).

Conditions:
DYRK1B-related disorder. Also called: DYRK1B-related condition.

Submission:

PreventionGenetics, part of Exact Sciences
Classification: Likely benign for DYRK1B-related condition. Last evaluated: 2024-05-30. Review status: no assertion criteria provided. Collection method: clinical testing. Allele origin: germline.
Comment: This variant is classified as likely benign based on ACMG/AMP sequence variant interpretation guidelines (Richards et al. 2015 PMID: 25741868, with internal and published modifications).